The following is an entry in ClinVar:

NM_002972.4(SBF1):c.3051G>A (p.Pro1017=)

Gene: SBF1 (SET binding factor 1; minus strand). Cytogenetic location: 22q13.33.
Variant type: single nucleotide variant.
Coding change: c.3051G>A on transcript NM_002972.4 (MANE Select); coding-DNA position 3051, G replaced by A.
Protein change: p.Pro1017=; no amino-acid change (proline 1017 retained).
Molecular consequence: synonymous variant.
Genome position (GRCh38, 1-based): chr22:50,460,629, C>T on the plus strand (G>A on the coding strand, the complement: SBF1 is on the minus strand). VCF-style: chr22-50460629-C-T. GRCh37 (hg19) VCF-style: chr22-50899058-C-T.
Other names: p.Pro1017=; c.3054G>A, p.Pro1018= (NM_001365819.1).
Identifiers: ClinVar variation 1206918 (VCV001206918.4), dbSNP rs758476232, ClinGen allele CA10316905.

ClinVar aggregate classification (germline): Likely benign. Review status: criteria provided, multiple submitters, no conflicts (2 of 4 stars). 2 submissions from 2 submitters: Likely benign (2). Last evaluated 2025-12-05.

Allele frequency attached by ClinVar (database versions not stated): TOPMed below 0.00001; gnomAD 0.00001; ExAC 0.00002; gnomAD exomes 0.00001.
gnomAD v4.1: 4 of 1,613,960 alleles (0.00025%); highest among the groups gnomAD compares: Admixed American, 0.0017%; no homozygotes.

Submissions (2):

Mayo Clinic Laboratories, Mayo Clinic
Classification: Likely benign. Last evaluated: 2025-12-05. Review status: criteria provided, single submitter. Criteria: ACMG Guidelines, 2015. Collection method: clinical testing. Allele origin: germline. Observed: 1 variant allele.
Comment: BP4, BP7

GeneDx
Classification: Likely benign. Last evaluated: 2020-03-16. Review status: criteria provided, single submitter. Criteria: GeneDx Variant Classification Process June 2021. Collection method: clinical testing. Allele origin: germline. Affected: yes.